The following is an entry in ClinVar:

NM_001378454.1(ALMS1):c.985_986del (p.Glu329fs)

Gene: ALMS1 (ALMS1 centrosome and basal body associated protein; plus strand). Cytogenetic location: 2p13.1.
Variant type: Deletion.
Coding change: c.985_986del on transcript NM_001378454.1 (MANE Select); coding-DNA positions 985 to 986, 2 bases deleted (GA; older notation c.985_986delGA).
Protein change: p.Glu329fs; shifts the reading frame from glutamic acid 329.
Molecular consequence: frameshift variant.
Genome position (GRCh38, 1-based): chr2:73,424,650-73,424,651, GA deleted. VCF-style (leftmost placement, unchanged base first): chr2-73424649-TGA-T. GRCh37 (hg19) VCF-style: chr2-73651777-TGA-T.
Other names: c.988_989del, p.Glu330fs (NM_015120.4); short protein forms E329fs, E330fs.
Identifiers: ClinVar variation 2664903 (VCV002664903.1), dbSNP rs2466046580, ClinGen allele CA2695200824.
Genomic context (GRCh38, chr2:73,424,649, plus strand): 5'-TCAGTGCCCTTTTTTACCTTCTGAACAAGGGAATAATGAAGAGACTATTTCGTCTGTTGA[TGA>T]ACTGAAAATTCCCAAAGACTGTGATCGTTATGATGATCTTTGTTCATATATGTCATGGAA-3'

ClinVar aggregate classification (germline): Likely pathogenic (1 of 4 stars; one submission).

Conditions:
Alstrom syndrome (ALMS). Identifiers: Orphanet 64, MedGen C0268425, MONDO:0008763, OMIM 203800.

Submission:

Neuberg Centre For Genomic Medicine, NCGM
Classification: Likely pathogenic for Alstrom syndrome. Last evaluated: 2023-02-14. Review status: criteria provided, single submitter. Criteria: ACMG Guidelines, 2015. Collection method: clinical testing. Allele origin: germline. Inheritance: Autosomal recessive inheritance. Affected: yes.
Comment: The frameshift variant c.985_986del (p.Glu329ThrfsTer8) in the ALMS1 gene has not been reported previously as a pathogenic variant nor as a benign variant, to our knowledge. The variant is novel (not in any individuals) in gnomAD Exomes and 1000 Genomes. This variant causes a frameshift starting with codon Glutamic Acid 329, changes this amino acid to Threonine residue, and creates a premature Stop codon at position 8 of the new reading frame. This variant is predicted to cause a loss of normal protein function through protein truncation. Loss of function variants has been previously reported to be disease-causing (Marshall et al., 2015). For these reasons, this variant has been classified as Likely Pathogenic.